The following is an entry in ClinVar:

ClinVar aggregate classification (germline): Likely benign (1 of 4 stars; one submission).

Allele frequency attached by ClinVar (database versions not stated): gnomAD 0.00003 and 0.00004; ExAC 0.00006; gnomAD exomes 0.00006 and 0.00007; TOPMed 0.00007; ESP Exome Variant Server 0.00008.
gnomAD v4.1: 90 of 1,613,770 alleles (0.0056%); highest among the groups gnomAD compares: Admixed American, 0.005%; no homozygotes.

Submission:

GeneDx
Classification: Likely benign. Last evaluated: 2016-06-22. Review status: criteria provided, single submitter. Criteria: GeneDx Variant Classification (06012015). Collection method: clinical testing. Allele origin: germline. Affected: yes.
Comment: This variant is considered likely benign or benign based on one or more of the following criteria: it is a conservative change, it occurs at a poorly conserved position in the protein, it is predicted to be benign by multiple in silico algorithms, and/or has population frequency not consistent with disease.

NM_016373.4(WWOX):c.*18T>C

Genes: MAF (MAF bZIP transcription factor; minus strand), WWOX (WW domain containing oxidoreductase; plus strand). Cytogenetic location: 16q23.2.
Variant type: single nucleotide variant.
Coding change: c.*18T>C on transcript NM_016373.4 (MANE Select); 18 bases downstream of the stop codon, T replaced by C.
Molecular consequence: 3 prime UTR variant.
Genome position (GRCh38, 1-based): chr16:79,211,814, T>C. VCF-style: chr16-79211814-T-C. GRCh37 (hg19) VCF-style: chr16-79245711-T-C.
Other names: c.*18T>C (NM_001291997.2).
Identifiers: ClinVar variation 387001 (VCV000387001.1), dbSNP rs369101141, ClinGen allele CA8183822.